The following is an entry in ClinVar:

ClinVar aggregate classification (germline): Uncertain significance (1 of 4 stars; one submission).

Conditions:
Lamb-Shaffer syndrome. Identifiers: Orphanet 313884, Orphanet 313892, Orphanet 530983, MedGen C4225202, MONDO:0014778, OMIM 616803.

Allele frequency attached by ClinVar (database versions not stated): TOPMed below 0.00001; ExAC 0.00001; gnomAD 0.00001.
gnomAD v4.1: 1 of 1,611,988 alleles (0.000062%); highest among the groups gnomAD compares: African/African-American, 0.0013%; no homozygotes.

Submission:

Institute of Immunology and Genetics Kaiserslautern
Classification: Uncertain significance for Lamb-Shaffer syndrome. Last evaluated: 2024-04-05. Review status: criteria provided, single submitter. Criteria: ACMG Guidelines, 2015. Collection method: clinical testing. Allele origin: maternal. Affected: yes.
Comment: ACMG Criteria: PM2_P, PP3; Variant was found in heterozygous state

NM_006940.6(SOX5):c.938C>T (p.Pro313Leu)

Gene: SOX5 (SRY-box transcription factor 5; minus strand). Cytogenetic location: 12p12.1.
Variant type: single nucleotide variant.
Coding change: c.938C>T on transcript NM_006940.6 (MANE Select); coding-DNA position 938, C replaced by T.
Protein change: p.Pro313Leu; replaces proline 313 with leucine.
Molecular consequence: missense variant.
Genome position (GRCh38, 1-based): chr12:23,640,891, G>A on the plus strand (C>T on the coding strand, the complement: SOX5 is on the minus strand). VCF-style: chr12-23640891-G-A. GRCh37 (hg19) VCF-style: chr12-23793825-G-A.
Other names: c.899C>T, p.Pro300Leu (NM_001261414.3, NM_152989.5); c.908C>T, p.Pro303Leu (NM_001261415.3); c.833C>T, p.Pro278Leu (NM_001330785.2); short protein forms P278L, P300L, P303L, P313L.
Identifiers: ClinVar variation 3235080 (VCV003235080.1), dbSNP rs749497533, ClinGen allele CA6484181.
Genomic context (GRCh38, chr12:23,640,891, plus strand): 5'-AAGCCTGGTGTTGCTGCGGCAGCAGCTGCCATGGTAGTTGGGATCAGCTGAACAGGGTAA[G>A]GGTCACCTAAGTAAGAGAATAATAGAGGCGTCAGCACCTTTTATCTACTCTCCACCTGCA-3'
Protein context (NP_008871.3, residues 303-323): GFSYKAGCSD[Pro313Leu]YPVQLIPTTM